The following is an entry in ClinVar:

NM_018475.5(TMEM165):c.952A>G (p.Ile318Val)

Gene: TMEM165 (transmembrane protein 165; plus strand). Cytogenetic location: 4q12.
Variant type: single nucleotide variant.
Coding change: c.952A>G on transcript NM_018475.5 (MANE Select); coding-DNA position 952, A replaced by G.
Protein change: p.Ile318Val; replaces isoleucine 318 with valine.
Molecular consequence: missense variant. On other transcripts: non-coding transcript variant (1).
Genome position (GRCh38, 1-based): chr4:55,425,429, A>G. VCF-style: chr4-55425429-A-G. GRCh37 (hg19) VCF-style: chr4-56291596-A-G.
Other names: short protein forms I318V.
Identifiers: ClinVar variation 1063540 (VCV001063540.7), dbSNP rs1318388651, ClinGen allele CA356906087.

ClinVar aggregate classification (germline): Uncertain significance (1 of 4 stars; one submission).

Conditions:
TMEM165-congenital disorder of glycosylation. Also called: Congenital disorder of glycosylation type 2k; TMEM165-CDG; CDG IIk. Identifiers: Orphanet 314667, MedGen C3553571, MONDO:0013870, OMIM 614727.

Allele frequency attached by ClinVar (database versions not stated): gnomAD exomes below 0.00001.
gnomAD v4.1: 5 of 1,610,214 alleles (0.00031%); highest among the groups gnomAD compares: Non-Finnish European, 0.00042%; no homozygotes.

Submission:

Labcorp Genetics (formerly Invitae), Labcorp
Classification: Uncertain significance for TMEM165-congenital disorder of glycosylation. Last evaluated: 2023-07-21. Review status: criteria provided, single submitter. Criteria: Invitae Variant Classification Sherloc (09022015). Collection method: clinical testing. Allele origin: germline.
Comment: This variant has not been reported in the literature in individuals affected with TMEM165-related conditions. This variant is present in population databases (no rsID available, gnomAD 0.0009%). This sequence change replaces isoleucine, which is neutral and non-polar, with valine, which is neutral and non-polar, at codon 318 of the TMEM165 protein (p.Ile318Val). ClinVar contains an entry for this variant (Variation ID: 1063540). In summary, the available evidence is currently insufficient to determine the role of this variant in disease. Therefore, it has been classified as a Variant of Uncertain Significance. Algorithms developed to predict the effect of sequence changes on RNA splicing suggest that this variant may create or strengthen a splice site. An algorithm developed to predict the effect of missense changes on protein structure and function (PolyPhen-2) suggests that this variant is likely to be tolerated.